The following is an entry in ClinVar:

NM_001144967.3(NEDD4L):c.1501C>G (p.Pro501Ala)

Gene: NEDD4L (NEDD4 like E3 ubiquitin protein ligase; plus strand). Cytogenetic location: 18q21.31.
Variant type: single nucleotide variant.
Coding change: c.1501C>G on transcript NM_001144967.3 (MANE Select); coding-DNA position 1501, C replaced by G.
Protein change: p.Pro501Ala; replaces proline 501 with alanine.
Molecular consequence: missense variant.
Genome position (GRCh38, 1-based): chr18:58,343,029, C>G. VCF-style: chr18-58343029-C-G. GRCh37 (hg19) VCF-style: chr18-56010261-C-G.
Other names: c.1309C>G, p.Pro437Ala (NM_001243960.2); c.1441C>G, p.Pro481Ala (NM_015277.6); c.1138C>G, p.Pro380Ala (NM_001144964.1, NM_001144965.2, NM_001144966.3); c.1477C>G, p.Pro493Ala (NM_001144968.2); c.1417C>G, p.Pro473Ala (NM_001144969.2); c.1078C>G, p.Pro360Ala (NM_001144970.3, NM_001144971.2); short protein forms P501A, P473A, P437A, P481A, P493A, P360A, P380A.
Identifiers: ClinVar variation 1521766 (VCV001521766.8), dbSNP rs1214237303, ClinGen allele CA402537447.
Genomic context (GRCh38, chr18:58,343,029, plus strand): 5'-CAGCCATCACCTTACAACTCCCCCAAACCACAACACAAAGTCACACAGAGCTTCTTGCCA[C>G]CCGGCTGGGAAATGAGGATAGCGCCAAACGGCCGGCCCTTCTTCATTGATCATAACACAA-3'
Protein context (NP_001138439.1, residues 491-511): QHKVTQSFLP[Pro501Ala]GWEMRIAPNG

ClinVar aggregate classification (germline): Uncertain significance (1 of 4 stars; one submission).

Allele frequency attached by ClinVar (database versions not stated): gnomAD exomes below 0.00001; gnomAD 0.00001.
gnomAD v4.1: 3 of 1,613,470 alleles (0.00019%); highest among the groups gnomAD compares: Non-Finnish European, 0.00025%; no homozygotes.

Submission:

Labcorp Genetics (formerly Invitae), Labcorp
Classification: Uncertain significance. Last evaluated: 2021-07-26. Review status: criteria provided, single submitter. Criteria: Invitae Variant Classification Sherloc (09022015). Collection method: clinical testing. Allele origin: germline.
Comment: In summary, the available evidence is currently insufficient to determine the role of this variant in disease. Therefore, it has been classified as a Variant of Uncertain Significance. This sequence change replaces proline with alanine at codon 481 of the NEDD4L protein (p.Pro481Ala). The proline residue is moderately conserved and there is a small physicochemical difference between proline and alanine. This variant is not present in population databases (ExAC no frequency). This variant has not been reported in the literature in individuals affected with NEDD4L-related conditions. Algorithms developed to predict the effect of missense changes on protein structure and function (SIFT, PolyPhen-2, Align-GVGD) all suggest that this variant is likely to be tolerated.